The following is an entry in ClinVar:

NM_024996.7(GFM1):c.1452dup (p.Asp485Ter)

Gene: GFM1 (G elongation factor mitochondrial 1; plus strand). Cytogenetic location: 3q25.32.
Variant type: Duplication.
Coding change: c.1452dup on transcript NM_024996.7 (MANE Select); coding-DNA position 1452, one base duplicated (T; older notation c.1452dupT).
Protein change: p.Asp485Ter; replaces aspartic acid 485 with a stop codon.
Molecular consequence: nonsense. On other transcripts: non-coding transcript variant (4).
Genome position (GRCh38, 1-based): chr3:158,665,408, T duplicated; the last of 3 consecutive T bases (chr3:158,665,406-158,665,408); duplicating any one gives the same sequence. VCF-style (leftmost placement, unchanged base first): chr3-158665405-C-CT. GRCh37 (hg19) VCF-style: chr3-158383194-C-CT.
Other names: c.1509dup, p.Asp504Ter (NM_001308164.2); c.1452dup, p.Asp485Ter (NM_001308166.2); c.1371dup, p.Asp458Ter (NM_001374355.1); c.1335dup, p.Asp446Ter (NM_001374356.1); c.1227dup, p.Asp410Ter (NM_001374357.1); c.993dup, p.Asp332Ter (NM_001374358.1); c.885dup, p.Asp296Ter (NM_001374359.1, NM_001374360.1); c.768dup, p.Asp257Ter (NM_001374361.1); short protein forms D296*, D410*, D332*, D446*, D257*, D458*, D504*, D485*.
Identifiers: ClinVar variation 2836594 (VCV002836594.3), dbSNP rs2474007179, ClinGen allele CA2739278331.
Genomic context (GRCh38, chr3:158,665,405, plus strand): 5'-GGAAAAATTTTCAAAAGGTATTGGCAGGTTTACAAGAGAAGATCCCACATTTAAAGTATA[C>CT]TTTGACACTGAGAACAAAGAGACAGTTATATCTGGAATGGGAGAATTACACCTGGAAATC-3'

ClinVar aggregate classification (germline): Pathogenic (1 of 4 stars; one submission).

Submission:

Labcorp Genetics (formerly Invitae), Labcorp
Classification: Pathogenic. Last evaluated: 2023-02-13. Review status: criteria provided, single submitter. Criteria: Invitae Variant Classification Sherloc (09022015). Collection method: clinical testing. Allele origin: germline.
Comment: This sequence change creates a premature translational stop signal (p.Asp485*) in the GFM1 gene. It is expected to result in an absent or disrupted protein product. Loss-of-function variants in GFM1 are known to be pathogenic (PMID: 16632485, 17160893). This variant is not present in population databases (gnomAD no frequency). This variant has not been reported in the literature in individuals affected with GFM1-related conditions. For these reasons, this variant has been classified as Pathogenic.

Literature cited by the submitters: PubMed 16632485; PubMed 17160893.